The following is an entry in ClinVar:

ClinVar aggregate classification (germline): Uncertain significance (1 of 4 stars; one submission).

Conditions:
Hereditary cancer-predisposing syndrome. Also called: Neoplastic Syndromes, Hereditary; Tumor predisposition; Hereditary Cancer Syndrome; Hereditary neoplastic syndrome. Identifiers: Orphanet 140162, MedGen C0027672, MeSH D009386, MONDO:0015356.

Submission:

Ambry Genetics
Classification: Uncertain significance for Hereditary cancer-predisposing syndrome. Last evaluated: 2026-03-19. Review status: criteria provided, single submitter. Criteria: Ambry Variant Classification Scheme 2023. Collection method: clinical testing. Allele origin: germline.
Comment: The c.1127+5G>T intronic variant results from a G to T substitution 5 nucleotides after coding exon 11 in the RB1 gene. This nucleotide position is well conserved in available vertebrate species. In silico splice site analysis predicts that this alteration may weaken the native splice donor site and may result in the creation or strengthening of a novel splice donor site; however, direct evidence is insufficient at this time (Ambry internal data). Based on the available evidence, the clinical significance of this variant remains unclear.

NM_000321.3(RB1):c.1127+5G>T

Gene: RB1 (RB transcriptional corepressor 1; plus strand). Cytogenetic location: 13q14.2.
Variant type: single nucleotide variant.
Coding change: c.1127+5G>T on transcript NM_000321.3 (MANE Select); 5 bases into the intron after coding-DNA position 1127, G replaced by T.
Molecular consequence: intron variant.
Genome position (GRCh38, 1-based): chr13:48,368,609, G>T. VCF-style: chr13-48368609-G-T. GRCh37 (hg19) VCF-style: chr13-48942745-G-T.
Other names: c.1127+5G>T (NM_001407165.1, NM_001407166.1).
Identifiers: ClinVar variation 4863008 (VCV004863008.1).
Genomic context (GRCh38, chr13:48,368,609, plus strand): 5'-CGAAAAAGTAACCTTGATGAAGAGGTGAATGTAATTCCTCCACACACTCCAGTTAGGTAT[G>T]AATTTTCCTACTTTTAATTATATTATAATTTTGTTATTCATGGCTTTATAGTGTTTCAGA-3'